The following is an entry in ClinVar:

NM_201596.3(CACNB2):c.674T>C (p.Ile225Thr)

Gene: CACNB2 (calcium voltage-gated channel auxiliary subunit beta 2; plus strand). Cytogenetic location: 10p12.31.
Variant type: single nucleotide variant.
Coding change: c.674T>C on transcript NM_201596.3 (MANE Select); coding-DNA position 674, T replaced by C.
Protein change: p.Ile225Thr; replaces isoleucine 225 with threonine.
Molecular consequence: missense variant. On other transcripts: intron variant (5).
Genome position (GRCh38, 1-based): chr10:18,514,239, T>C. VCF-style: chr10-18514239-T-C. GRCh37 (hg19) VCF-style: chr10-18803168-T-C.
Other names: c.509T>C, p.Ile170Thr (NM_000724.4); c.530T>C, p.Ile177Thr (NM_201570.3); c.590T>C, p.Ile197Thr (NM_201571.4); c.512T>C, p.Ile171Thr (NM_201590.3); c.587-272T>C (NM_001167945.2); c.587-741T>C (NM_201572.4); c.671-272T>C (NM_201593.3); c.671-741T>C (NM_201597.3); and 2 more; short protein forms I170T, I171T, I177T, I197T, I225T.
Identifiers: ClinVar variation 1064016 (VCV001064016.16), dbSNP rs772796787, ClinGen allele CA5429704.

ClinVar aggregate classification (germline): Uncertain significance. Review status: criteria provided, multiple submitters, no conflicts (2 of 4 stars). 3 submissions from 3 submitters: Uncertain significance (3). Last evaluated 2025-03-27.

Conditions:
Cardiovascular phenotype. Identifiers: MedGen CN230736.
Brugada syndrome 4 (BRGDA4). Identifiers: Orphanet 130, MedGen C2678477, MONDO:0012743, OMIM 611876.

Allele frequency attached by ClinVar (database versions not stated): gnomAD exomes below 0.00001; ExAC 0.00001; TOPMed 0.00001.
gnomAD v4.1: 6 of 1,614,078 alleles (0.00037%); highest among the groups gnomAD compares: South Asian, 0.0022%; no homozygotes.

Submissions (3):

Labcorp Genetics (formerly Invitae), Labcorp
Classification: Uncertain significance for Brugada syndrome 4. Last evaluated: 2025-03-27. Review status: criteria provided, single submitter. Criteria: Invitae Variant Classification Sherloc (09022015). Collection method: clinical testing. Allele origin: germline.
Comment: This sequence change replaces isoleucine, which is neutral and non-polar, with threonine, which is neutral and polar, at codon 171 of the CACNB2 protein (p.Ile171Thr). This variant is not present in population databases (gnomAD no frequency). This variant has not been reported in the literature in individuals affected with CACNB2-related conditions. ClinVar contains an entry for this variant (Variation ID: 1064016). An algorithm developed to predict the effect of missense changes on protein structure and function (PolyPhen-2) suggests that this variant is likely to be tolerated. In summary, the available evidence is currently insufficient to determine the role of this variant in disease. Therefore, it has been classified as a Variant of Uncertain Significance.

Ambry Genetics
Classification: Uncertain significance for Cardiovascular phenotype. Last evaluated: 2024-10-07. Review status: criteria provided, single submitter. Criteria: Ambry Variant Classification Scheme 2023. Collection method: clinical testing. Allele origin: germline.
Comment: The p.I171T variant (also known as c.512T>C), located in coding exon 6 of the CACNB2 gene, results from a T to C substitution at nucleotide position 512. The isoleucine at codon 171 is replaced by threonine, an amino acid with similar properties. This amino acid position is conserved. In addition, the in silico prediction for this alteration is inconclusive. Based on the available evidence, the clinical significance of this variant remains unclear.

ARUP Laboratories, Molecular Genetics and Genomics, ARUP Laboratories
Classification: Uncertain significance for Brugada syndrome 4. Last evaluated: 2020-10-04. Review status: criteria provided, single submitter. Criteria: ARUP Molecular Germline Variant Investigation Process 2021. Collection method: clinical testing. Allele origin: germline.
Comment: The CACNB2 c.512T>C; p.Ile171Thr variant (rs772796787), to our knowledge, has not been reported in the medical literature or gene specific databases. This variant is also absent from general population databases (1000 Genomes Project, Exome Variant Server, and Genome Aggregation Database), indicating it is not a common polymorphism. The isoleucine at codon 171 is moderately conserved (Alamut v.2.11) and computational analyses (SIFT, PolyPhen-2) predict that this variant is tolerated. Based on the available information, the clinical significance of this variant is uncertain.